The following is an entry in ClinVar:

NM_021020.5(LZTS1):c.249G>A (p.Thr83=)

Gene: LZTS1 (leucine zipper tumor suppressor 1; minus strand). Cytogenetic location: 8p21.3.
Variant type: single nucleotide variant.
Coding change: c.249G>A on transcript NM_021020.5 (MANE Select); coding-DNA position 249, G replaced by A.
Protein change: p.Thr83=; no amino-acid change (threonine 83 retained).
Molecular consequence: synonymous variant.
Genome position (GRCh38, 1-based): chr8:20,254,933, C>T on the plus strand (G>A on the coding strand, the complement: LZTS1 is on the minus strand). VCF-style: chr8-20254933-C-T. GRCh37 (hg19) VCF-style: chr8-20112444-C-T.
Other names: c.249G>A, p.Thr83= (NM_001362884.2); c.249G>A (NM_021020.3).
Identifiers: ClinVar variation 2081653 (VCV002081653.6), dbSNP rs140903284, ClinGen allele CA4657577.

ClinVar aggregate classification (germline): Likely benign. Review status: criteria provided, single submitter (1 of 4 stars). 2 submissions from 2 submitters: Likely benign (1). 1 of the submissions does not count toward it. Last evaluated 2025-12-16.

Conditions:
LZTS1-related disorder. Also called: LZTS1-related condition.

Allele frequency attached by ClinVar (database versions not stated): ESP Exome Variant Server 0.00008; TOPMed 0.00020.

Submissions (2):

Labcorp Genetics (formerly Invitae), Labcorp
Classification: Likely benign. Last evaluated: 2025-12-16. Review status: criteria provided, single submitter. Criteria: Invitae Variant Classification Sherloc (09022015). Collection method: clinical testing. Allele origin: germline.

PreventionGenetics, part of Exact Sciences
Classification: Likely benign for LZTS1-related condition. Last evaluated: 2019-03-18. Review status: no assertion criteria provided. Collection method: clinical testing. Allele origin: germline. Not counted in ClinVar's aggregate classification.
Comment: This variant is classified as likely benign based on ACMG/AMP sequence variant interpretation guidelines (Richards et al. 2015 PMID: 25741868, with internal and published modifications).